The following is an entry in ClinVar:

ClinVar aggregate classification (germline): Uncertain significance (1 of 4 stars; one submission).

Submission:

GeneDx
Classification: Uncertain significance. Last evaluated: 2023-03-29. Review status: criteria provided, single submitter. Criteria: GeneDx Variant Classification Process June 2021. Collection method: clinical testing. Allele origin: germline. Affected: yes.
Comment: Not observed at significant frequency in large population cohorts (gnomAD); In silico analysis supports a deleterious effect on splicing; In silico analysis supports that this missense variant does not alter protein structure/function; Has not been previously published as pathogenic or benign to our knowledge

NM_014754.3(PTDSS1):c.442G>C (p.Glu148Gln)

Gene: PTDSS1 (phosphatidylserine synthase 1; plus strand). Cytogenetic location: 8q22.1.
Variant type: single nucleotide variant.
Coding change: c.442G>C on transcript NM_014754.3 (MANE Select); coding-DNA position 442, G replaced by C.
Protein change: p.Glu148Gln; replaces glutamic acid 148 with glutamine.
Molecular consequence: missense variant.
Genome position (GRCh38, 1-based): chr8:96,295,098, G>C. VCF-style: chr8-96295098-G-C. GRCh37 (hg19) VCF-style: chr8-97307326-G-C.
Other names: c.4G>C, p.Glu2Gln (NM_001290225.2); short protein forms E148Q, E2Q.
Identifiers: ClinVar variation 2582127 (VCV002582127.1), dbSNP rs4565430, ClinGen allele CA181504037.